The following is an entry in ClinVar:

ClinVar aggregate classification (germline): Uncertain significance. Review status: criteria provided, multiple submitters, no conflicts (2 of 4 stars). 2 submissions from 2 submitters: Uncertain significance (2). Last evaluated 2025-06-17.

Conditions:
SLC9A9-related disorder. Also called: SLC9A9-related condition.

Allele frequency attached by ClinVar (database versions not stated): gnomAD exomes 0.00003.
gnomAD v4.1: 39 of 1,614,074 alleles (0.0024%); highest among the groups gnomAD compares: Non-Finnish European, 0.0032%; no homozygotes.

Submissions (2):

Ambry Genetics
Classification: Uncertain significance. Last evaluated: 2025-06-17. Review status: criteria provided, single submitter. Criteria: Ambry Variant Classification Scheme 2023. Collection method: clinical testing. Allele origin: germline.

PreventionGenetics, part of Exact Sciences
Classification: Uncertain significance for SLC9A9-related condition. Last evaluated: 2023-04-17. Review status: criteria provided, single submitter. Criteria: ACMG Guidelines, 2015. Collection method: clinical testing. Allele origin: germline.
Comment: The SLC9A9 c.1426T>C variant is predicted to result in the amino acid substitution p.Phe476Leu. To our knowledge, this variant has not been reported in the literature or in a large population database, indicating this variant is rare. At this time, the clinical significance of this variant is uncertain due to the absence of conclusive functional and genetic evidence.

NM_173653.4(SLC9A9):c.1426T>C (p.Phe476Leu)

Gene: SLC9A9 (solute carrier family 9 member A9; minus strand). Cytogenetic location: 3q24.
Variant type: single nucleotide variant.
Coding change: c.1426T>C on transcript NM_173653.4 (MANE Select); coding-DNA position 1426, T replaced by C.
Protein change: p.Phe476Leu; replaces phenylalanine 476 with leucine.
Molecular consequence: missense variant.
Genome position (GRCh38, 1-based): chr3:143,467,080, A>G on the plus strand (T>C on the coding strand, the complement: SLC9A9 is on the minus strand). VCF-style: chr3-143467080-A-G. GRCh37 (hg19) VCF-style: chr3-143185922-A-G.
Other names: short protein forms F476L.
Identifiers: ClinVar variation 2636657 (VCV002636657.2), dbSNP rs2473078924, ClinGen allele CA354874093.